The following is an entry in ClinVar:

ClinVar aggregate classification (germline): Uncertain significance (1 of 4 stars; one submission).

Conditions:
Charcot-Marie-Tooth disease type 2E (CMT2E). Also called: CHARCOT-MARIE-TOOTH DISEASE, AXONAL, TYPE 2E; CHARCOT-MARIE-TOOTH NEUROPATHY, TYPE 2E. Identifiers: Orphanet 99939, MedGen C1843225, MONDO:0011894, OMIM 607684.

Submission:

Labcorp Genetics (formerly Invitae), Labcorp
Classification: Uncertain significance for Charcot-Marie-Tooth disease type 2E. Last evaluated: 2025-01-14. Review status: criteria provided, single submitter. Criteria: Invitae Variant Classification Sherloc (09022015). Collection method: clinical testing. Allele origin: germline.
Comment: This sequence change replaces glutamic acid, which is acidic and polar, with alanine, which is neutral and non-polar, at codon 20 of the NEFL protein (p.Glu20Ala). This variant is not present in population databases (gnomAD no frequency). This variant has not been reported in the literature in individuals affected with NEFL-related conditions. Invitae Evidence Modeling of protein sequence and biophysical properties (such as structural, functional, and spatial information, amino acid conservation, physicochemical variation, residue mobility, and thermodynamic stability) has been performed for this missense variant. However, the output from this modeling did not meet the statistical confidence thresholds required to predict the impact of this variant on NEFL protein function. In summary, the available evidence is currently insufficient to determine the role of this variant in disease. Therefore, it has been classified as a Variant of Uncertain Significance.

NM_006158.5(NEFL):c.59A>C (p.Glu20Ala)

Gene: NEFL (neurofilament light chain; minus strand). Cytogenetic location: 8p21.2.
Variant type: single nucleotide variant.
Coding change: c.59A>C on transcript NM_006158.5 (MANE Select); coding-DNA position 59, A replaced by C.
Protein change: p.Glu20Ala; replaces glutamic acid 20 with alanine.
Molecular consequence: missense variant.
Genome position (GRCh38, 1-based): chr8:24,956,457, T>G on the plus strand (A>C on the coding strand, the complement: NEFL is on the minus strand). VCF-style: chr8-24956457-T-G. GRCh37 (hg19) VCF-style: chr8-24813971-T-G.
Other names: short protein forms E20A.
Identifiers: ClinVar variation 3718569 (VCV003718569.2).